The following is an entry in ClinVar:

ClinVar aggregate classification (germline): Uncertain significance (1 of 4 stars; one submission).

Conditions:
Atrial fibrillation, familial, 14 (ATFB14). Identifiers: MedGen C3809312, MONDO:0014156, OMIM 615378.

Submission:

Labcorp Genetics (formerly Invitae), Labcorp
Classification: Uncertain significance for Atrial fibrillation, familial, 14. Last evaluated: 2022-04-12. Review status: criteria provided, single submitter. Criteria: Invitae Variant Classification Sherloc (09022015). Collection method: clinical testing. Allele origin: germline.
Comment: This sequence change creates a premature translational stop signal (p.Ser192Alafs*5) in the SCN2B gene. While this is not anticipated to result in nonsense mediated decay, it is expected to disrupt the last 24 amino acid(s) of the SCN2B protein. This variant is not present in population databases (gnomAD no frequency). This variant has not been reported in the literature in individuals affected with SCN2B-related conditions. Experimental studies and prediction algorithms are not available or were not evaluated, and the functional significance of this variant is currently unknown. In summary, the available evidence is currently insufficient to determine the role of this variant in disease. Therefore, it has been classified as a Variant of Uncertain Significance.

NM_004588.5(SCN2B):c.573del (p.Ser192fs)

Gene: SCN2B (sodium voltage-gated channel beta subunit 2; minus strand). Cytogenetic location: 11q23.3.
Variant type: Deletion.
Coding change: c.573del on transcript NM_004588.5 (MANE Select); coding-DNA position 573, one base deleted (G; older notation c.573delG).
Protein change: p.Ser192fs; shifts the reading frame from serine 192.
Molecular consequence: frameshift variant.
Genome position (GRCh38, 1-based): chr11:118,166,962, C deleted on the plus strand (G on the coding strand, the reverse complement: SCN2B is on the minus strand). VCF-style (leftmost placement, unchanged base first): chr11-118166961-TC-T. GRCh37 (hg19) VCF-style: chr11-118037676-TC-T.
Other names: short protein forms S192fs.
Identifiers: ClinVar variation 2125336 (VCV002125336.4), dbSNP rs2497598816, ClinGen allele CA2580083562.